The following is an entry in ClinVar:

ClinVar aggregate classification (germline): Benign/Likely benign. Review status: criteria provided, multiple submitters, no conflicts (2 of 4 stars). 4 submissions from 4 submitters: Benign (1); Likely benign (1). 2 of the submissions do not count toward it. Last evaluated 2026-01-04.

Conditions:
CDT1-related disorder. Also called: CDT1-related condition.

Allele frequency attached by ClinVar (database versions not stated): gnomAD exomes 0.00103; ExAC 0.00113; 1000 Genomes Project 0.00359; 1000 Genomes Project 30x 0.00359; gnomAD 0.00362 and 0.00376; TOPMed 0.00415; ESP Exome Variant Server 0.00509.
gnomAD v4.1: 1,261 of 1,612,468 alleles (0.078%); highest among the groups gnomAD compares: African/African-American, 1.2%; 7 homozygotes.

Submissions (4):

Labcorp Genetics (formerly Invitae), Labcorp
Classification: Benign. Last evaluated: 2026-01-04. Review status: criteria provided, single submitter. Criteria: Invitae Variant Classification Sherloc (09022015). Collection method: clinical testing. Allele origin: germline.

Blueprint Genetics
Classification: Likely benign. Last evaluated: 2024-06-05. Review status: criteria provided, single submitter. Criteria: ACMG Guidelines, 2015. Collection method: clinical testing. Allele origin: germline.

PreventionGenetics, part of Exact Sciences
Classification: Benign for CDT1-related condition. Last evaluated: 2019-07-29. Review status: no assertion criteria provided. Collection method: clinical testing. Allele origin: germline. Not counted in ClinVar's aggregate classification.
Comment: This variant is classified as benign based on ACMG/AMP sequence variant interpretation guidelines (Richards et al. 2015 PMID: 25741868, with internal and published modifications).

Genetic Services Laboratory, University of Chicago
Classification: Likely benign for AllHighlyPenetrant. Review status: no assertion criteria provided. Collection method: clinical testing. Allele origin: germline. Inheritance: Autosomal recessive inheritance. Not counted in ClinVar's aggregate classification.
Comment: Likely benign based on allele frequency in 1000 Genomes Project or ESP global frequency and its presence in a patient with a rare or unrelated disease phenotype. NOT Sanger confirmed.

NM_030928.4(CDT1):c.1221G>A (p.Pro407=)

Gene: CDT1 (chromatin licensing and DNA replication factor 1; plus strand). Cytogenetic location: 16q24.3.
Variant type: single nucleotide variant.
Coding change: c.1221G>A on transcript NM_030928.4 (MANE Select); coding-DNA position 1221, G replaced by A.
Protein change: p.Pro407=; no amino-acid change (proline 407 retained).
Molecular consequence: synonymous variant.
Genome position (GRCh38, 1-based): chr16:88,807,149, G>A. VCF-style: chr16-88807149-G-A. GRCh37 (hg19) VCF-style: chr16-88873557-G-A.
Identifiers: ClinVar variation 128661 (VCV000128661.19), dbSNP rs74035838, ClinGen allele CA152250.
Genomic context (GRCh38, chr16:88,807,149, plus strand): 5'-TGCGCCCAGCAGCCCCGGGTCTCCCAGGCCAGCACTGCCGGCTACCCCACCAGCCACCCC[G>A]CCTGCAGCCTCTCCCAGTGCTCTGAAGGGGGTGTCCCAGGATCTGCTGGAGCGGGTGAGT-3'
Protein context (NP_112190.2, residues 397-417): PALPATPPAT[Pro407=]PAASPSALKG